The following is an entry in ClinVar:

ClinVar aggregate classification (germline): Benign/Likely benign. Review status: criteria provided, multiple submitters, no conflicts (2 of 4 stars). 4 submissions from 4 submitters: Benign (2); Likely benign (1). 1 of the submissions does not count toward it. Last evaluated 2025-12-21.

Conditions:
Developmental and epileptic encephalopathy, 32 (DEE32). Also called: Epileptic encephalopathy, early infantile, 32. Identifiers: Orphanet 442835, MedGen C4225350, MONDO:0014607, OMIM 616366.

Allele frequency attached by ClinVar (database versions not stated): TOPMed 0.00003; gnomAD 0.00004 and 0.00011; gnomAD exomes 0.00011 and 0.00022; ExAC 0.00026.

Submissions (4):

Labcorp Genetics (formerly Invitae), Labcorp
Classification: Benign for Developmental and epileptic encephalopathy, 32. Last evaluated: 2025-12-21. Review status: criteria provided, single submitter. Criteria: Invitae Variant Classification Sherloc (09022015). Collection method: clinical testing. Allele origin: germline.

CeGaT Center for Human Genetics Tuebingen
Classification: Likely benign. Last evaluated: 2024-11-01. Review status: criteria provided, single submitter. Criteria: CeGaT Center For Human Genetics Tuebingen Variant Classification Criteria Version 2. Collection method: clinical testing. Allele origin: germline. Affected: yes. Observed: 2 variant alleles.
Comment: KCNA2: BP4, BS1

Breakthrough Genomics
Classification: Benign. Review status: criteria provided, single submitter. Criteria: ACMG Guidelines, 2015. Collection method: not provided. Allele origin: germline. Inheritance: Autosomal dominant inheritance. Affected: yes.

Department of Pathology and Laboratory Medicine, Sinai Health System
Classification: Uncertain significance. Review status: no assertion criteria provided. Collection method: clinical testing. Allele origin: unknown. Affected: yes. Study: The Canadian Open Genetics Repository (COGR). Not counted in ClinVar's aggregate classification.
Comment: The KCNA2 p.Ser324Ser variant was not identified in the literature nor was it identified in ClinVar, Cosmic or LOVD 3.0. The variant was identified in dbSNP (ID: rs765820644) and in 55 of 251360 chromosomes at a frequency of 0.000219 (Genome Aggregation Database Feb 27, 2017). The variant was observed in the following populations: South Asian in 46 of 30614 chromosomes (freq: 0.001503), Ashkenazi Jewish in 4 of 10078 chromosomes (freq: 0.000397), Other in 1 of 6132 chromosomes (freq: 0.000163) and European (non-Finnish) in 4 of 113730 chromosomes (freq: 0.000035); it was not observed in the African, Latino, East Asian and European (Finnish) populations. The p.Ser324Ser variant is not expected to have clinical significance because it does not result in a change of amino acid and is not located in a known consensus splice site. Further, in silico or computational prediction software programs, (SpliceSiteFinder, MaxEntScan, NNSPLICE, GeneSplicer) do not predict a significance difference in splicing. In summary, based on the above information the clinical significance of this variant cannot be determined with certainty at this time. This variant is classified as a variant of uncertain significance.

NM_004974.4(KCNA2):c.972C>T (p.Ser324=)

Gene: KCNA2 (potassium voltage-gated channel subfamily A member 2; minus strand). Cytogenetic location: 1p13.3.
Variant type: single nucleotide variant.
Coding change: c.972C>T on transcript NM_004974.4 (MANE Select); coding-DNA position 972, C replaced by T.
Protein change: p.Ser324=; no amino-acid change (serine 324 retained).
Molecular consequence: synonymous variant. On other transcripts: intron variant (1).
Genome position (GRCh38, 1-based): chr1:110,603,811, G>A on the plus strand (C>T on the coding strand, the complement: KCNA2 is on the minus strand). VCF-style: chr1-110603811-G-A. GRCh37 (hg19) VCF-style: chr1-111146433-G-A.
Other names: c.894+78C>T (NM_001204269.2).
Identifiers: ClinVar variation 707013 (VCV000707013.35), dbSNP rs765820644, ClinGen allele CA1000667.
Genomic context (GRCh38, chr1:110,603,811, plus strand): 5'-ACTAGAGAAAAGGATGACCCCTATGAAGAGAAAGAATATCAGGAGGCCCAATTCTCTCAT[G>A]CTGGCTTTGAGGGTCTGACCTAGAATCTGGAGACCTTTGGAGTGTCTGGACAACTTGAAA-3'
Protein context (NP_004965.1, residues 314-334): LQILGQTLKA[Ser324=]MRELGLLIFF